The following is an entry in ClinVar:

ClinVar aggregate classification (germline): Benign. Review status: criteria provided, multiple submitters, no conflicts (2 of 4 stars). 3 submissions from 3 submitters: Benign (3). Last evaluated 2018-06-14.

Conditions:
Short-rib thoracic dysplasia 6 with or without polydactyly (SRTD6). Also called: POLYDACTYLY WITH NEONATAL CHONDRODYSTROPHY, TYPE II; Majewski Syndrome; SHORT RIB-POLYDACTYLY SYNDROME, TYPE IIA; SHORT-RIB THORACIC DYSPLASIA 6 WITH POLYDACTYLY; SHORT-RIB THORACIC DYSPLASIA 6 WITHOUT POLYDACTYLY. Identifiers: MedGen C0024507, MONDO:0009894, OMIM 263520.

Allele frequency attached by ClinVar (database versions not stated): 1000 Genomes Project 0.90575; 1000 Genomes Project 30x 0.90928; gnomAD 0.91169 and 0.91298; TOPMed 0.91277.
gnomAD v4.1: 462,738 of 517,018 alleles (90%); highest among the groups gnomAD compares: African/African-American, 97%; 207,543 homozygotes.

Submissions (3):

GeneDx
Classification: Benign. Last evaluated: 2018-06-14. Review status: criteria provided, single submitter. Criteria: GeneDx Variant Classification Process June 2021. Collection method: clinical testing. Allele origin: germline. Affected: yes.

Illumina Laboratory Services, Illumina
Classification: Benign for Short-rib thoracic dysplasia 6 with or without polydactyly. Last evaluated: 2018-01-13. Review status: criteria provided, single submitter. Criteria: ICSL Variant Classification Criteria 13 December 2019. Collection method: clinical testing. Allele origin: germline.
Comment: This variant was observed in the ICSL laboratory as part of a predisposition screen in an ostensibly healthy population. It had not been previously curated by ICSL or reported in the Human Gene Mutation Database (HGMD: prior to June 1st, 2018), and was therefore a candidate for classification through an automated scoring system. Utilizing variant allele frequency, disease prevalence and penetrance estimates, and inheritance mode, an automated score was calculated to assess if this variant is too frequent to cause the disease. Based on the score and internal cut-off values, a variant classified as benign is not then subjected to further curation. The score for this variant resulted in a classification of benign for this disease.

Breakthrough Genomics
Classification: Benign. Review status: criteria provided, single submitter. Criteria: ACMG Guidelines, 2015. Collection method: not provided. Allele origin: germline. Inheritance: Autosomal recessive inheritance. Affected: yes.

NM_001199397.3(NEK1):c.*165G>A

Gene: NEK1 (NIMA related kinase 1; minus strand). Cytogenetic location: 4q33.
Variant type: single nucleotide variant.
Coding change: c.*165G>A on transcript NM_001199397.3 (MANE Select); 165 bases downstream of the stop codon, G replaced by A.
Molecular consequence: 3 prime UTR variant. On other transcripts: non-coding transcript variant (1).
Genome position (GRCh38, 1-based): chr4:169,394,345, C>T on the plus strand (G>A on the coding strand, the complement: NEK1 is on the minus strand). VCF-style: chr4-169394345-C-T. GRCh37 (hg19) VCF-style: chr4-170315496-C-T.
Other names: c.*165G>A (NM_001374419.1, NM_001374420.1, NM_001374421.1 and 5 more transcripts).
Identifiers: ClinVar variation 348085 (VCV000348085.9), dbSNP rs4692721, ClinGen allele CA10617392.